The following is an entry in ClinVar:

ClinVar aggregate classification (germline): Pathogenic. Review status: reviewed by expert panel (3 of 4 stars). 3 submissions from 3 submitters: Pathogenic (1). 2 of the submissions do not count toward it. Last evaluated 2024-08-13.

Conditions:
Von Willebrand disease type 2B. Identifiers: Orphanet 166087, MedGen C1282971, MONDO:0015629.

Submissions (3):

ClinGen von Willebrand Disease Variant Curation Expert Panel, ClinGen
Classification: Pathogenic for Von Willebrand disease type 2B. Last evaluated: 2024-08-13. Review status: reviewed by expert panel. Criteria: ClinGen VWD 2A B M Rules. Collection method: curation. Allele origin: germline. Inheritance: Autosomal dominant inheritance.
Comment: The NM_000552.5(VWF):c.3940G>T (p.Val1314Phe) missense variant has been reported in at least 1 proband with prolonged bleeding time (>20 minutes), decreased binding capacity to GPIb, vWFAg (25 U/dL) associated with the absence of vWFRCo (<5 U/dL) for a ratio of <0.2, and an absence of high molecular weight and intermediate multimers in the plasma. Additional features included decreased levels of VIIIC (30 U/dL) and a total lack of ristocetin platelet aggregation (RIPA) at concentrations of modulator between 0 and 2 mg/mL. As reported by the authors, there is a discrepancy in this patient between an apparent type 2A phenotype and 2B genotype. This discrepancy can be explained as an extremely severe form of type-IIB vWD, where the variant strongly increases the affinity of vWF for platelet GPIb, which might result in plasma in a spontaneous binding of both HMW and intermediate-sized multimers to the platelets. This could explain the thrombocytopenia of the propositus and the clearance of the large and intermediate forms of vWF from the patient’s plasma. The variant was identified as a de novo occurrence in this patient (PS2_moderate; PMIDs: 1419803). This variant is absent from gnomAD v4.1 (PM2_Supporting). The computational predictor REVEL gives a score of 0.741, which is above the ClinGen VWD VCEP threshold of >0.644 and predicts a damaging effect on VWF function (PP3).A GP1b binding assay performed with the recombinant Val1314Phe mutant vWF expressed by COS-7 cells showed spontaneous binding at low doses of ristocetin (PMID: 8298143 and PMID: 8630394), and enhanced binding to platelets in the presence of low-dose ristocetin compared with WT (PMID: 8630394), indicating that this variant has a gain of function effect on the protein (PS3_supporting). Another type 2B variants have been reported at this amino acid residue; Val1314Leu and classified pathogenic by the VWD VCEP (PM5). In summary, the variant meets the criteria to be classified as Pathogenic for von Willebrand disease type 2B based on the ACMG/AMP criteria applied, as specified by the ClinGen VWD VCEP: PS3, PS2_moderate, PP3, PP4, PM5, and PM2_supporting.

ARUP Laboratories, Molecular Genetics and Genomics, ARUP Laboratories
Classification: Likely pathogenic. Last evaluated: 2017-07-11. Review status: criteria provided, single submitter. Criteria: ARUP Molecular Germline Variant Investigation Process. Collection method: clinical testing. Allele origin: germline. Not counted in ClinVar's aggregate classification.

Academic Unit of Haematology, University of Sheffield
No classification provided. Review status: no classification provided. Collection method: not provided. Allele origin: not provided. Not counted in ClinVar's aggregate classification.

Literature cited by the submitters: PubMed 10845912 (cited by ClinGen von Willebrand Disease Variant Curation Expert Panel, ClinGen); PubMed 11776314 (cited by ClinGen von Willebrand Disease Variant Curation Expert Panel, ClinGen); PubMed 17087728 (cited by ClinGen von Willebrand Disease Variant Curation Expert Panel, ClinGen).

NM_000552.5(VWF):c.3940G>T (p.Val1314Phe)

Gene: VWF (von Willebrand factor; minus strand). Cytogenetic location: 12p13.31.
Variant type: single nucleotide variant.
Coding change: c.3940G>T on transcript NM_000552.5 (MANE Select); coding-DNA position 3940, G replaced by T.
Protein change: p.Val1314Phe; replaces valine 1314 with phenylalanine.
Molecular consequence: missense variant.
Genome position (GRCh38, 1-based): chr12:6,019,478, C>A on the plus strand (G>T on the coding strand, the complement: VWF is on the minus strand). VCF-style: chr12-6019478-C-A. GRCh37 (hg19) VCF-style: chr12-6128644-C-A.
Other names: NM_000552.5(VWF):c.3940G>T; short protein forms V1314F.
Identifiers: ClinVar variation 100308 (VCV000100308.9), dbSNP rs61749393, ClinGen allele CA228498.